The following is an entry in ClinVar:

NM_015047.3(EMC1):c.1890A>G (p.Pro630=)

Genes: EMC1 (ER membrane protein complex subunit 1; minus strand), EMC1-AS1 (EMC1 antisense RNA 1; plus strand). Cytogenetic location: 1p36.13.
Variant type: single nucleotide variant.
Coding change: c.1890A>G on transcript NM_015047.3 (MANE Select); coding-DNA position 1890, A replaced by G.
Protein change: p.Pro630=; no amino-acid change (proline 630 retained).
Molecular consequence: synonymous variant.
Genome position (GRCh38, 1-based): chr1:19,231,315, T>C on the plus strand (A>G on the coding strand, the complement: EMC1 is on the minus strand). VCF-style: chr1-19231315-T-C. GRCh37 (hg19) VCF-style: chr1-19557809-T-C.
Other names: c.1887A>G, p.Pro629= (NM_001271427.2, NM_001271428.2); c.1824A>G, p.Pro608= (NM_001271429.2); c.1899A>G, p.Pro633= (NM_001375820.1); c.1896A>G, p.Pro632= (NM_001375821.1).
Identifiers: ClinVar variation 2802730 (VCV002802730.3), dbSNP rs2536722168, ClinGen allele CA416429153.

ClinVar aggregate classification (germline): Uncertain significance (1 of 4 stars; one submission).

Allele frequency attached by ClinVar (database versions not stated): gnomAD exomes below 0.00001.
gnomAD v4.1: 1 of 1,611,098 alleles (0.000062%); highest among the groups gnomAD compares: South Asian, 0.0011%; no homozygotes.

Submission:

Labcorp Genetics (formerly Invitae), Labcorp
Classification: Uncertain significance. Last evaluated: 2023-06-21. Review status: criteria provided, single submitter. Criteria: Invitae Variant Classification Sherloc (09022015). Collection method: clinical testing. Allele origin: germline.
Comment: This sequence change affects codon 630 of the EMC1 mRNA. It is a 'silent' change, meaning that it does not change the encoded amino acid sequence of the EMC1 protein. This variant is not present in population databases (gnomAD no frequency). This variant has not been reported in the literature in individuals affected with EMC1-related conditions. Algorithms developed to predict the effect of sequence changes on RNA splicing suggest that this variant may create or strengthen a splice site. In summary, the available evidence is currently insufficient to determine the role of this variant in disease. Therefore, it has been classified as a Variant of Uncertain Significance.